The following is an entry in ClinVar:

NM_004484.4(GPC3):c.1553A>G (p.Asn518Ser)

Gene: GPC3 (glypican 3; minus strand). Cytogenetic location: Xq26.2.
Variant type: single nucleotide variant.
Coding change: c.1553A>G on transcript NM_004484.4 (MANE Select); coding-DNA position 1553, A replaced by G.
Protein change: p.Asn518Ser; replaces asparagine 518 with serine.
Molecular consequence: missense variant.
Genome position (GRCh38, 1-based): chrX:133,596,460, T>C on the plus strand (A>G on the coding strand, the complement: GPC3 is on the minus strand). VCF-style: chrX-133596460-T-C. GRCh37 (hg19) VCF-style: chrX-132730488-T-C.
Other names: c.1622A>G, p.Asn541Ser (NM_001164617.2); c.1505A>G, p.Asn502Ser (NM_001164618.2); c.1391A>G, p.Asn464Ser (NM_001164619.2); short protein forms N518S, N502S, N464S, N541S.
Identifiers: ClinVar variation 2831217 (VCV002831217.3), dbSNP rs2069915935, ClinGen allele CA414700749.
Genomic context (GRCh38, chrX:133,596,460, plus strand): 5'-CCATTTTTAGATTACATTTGGGTCAGCACTAATCAGTTACCTGCAAGGAAGCGGAGCTGA[T>C]TCTTCACTTTTATCATTCCATCACCAGAGCCTCCAATGCACTCATCTTCATCATCACCGC-3'
Protein context (NP_004475.1, residues 508-528): GSGDGMIKVK[Asn518Ser]QLRFLAELAY

ClinVar aggregate classification (germline): Uncertain significance (1 of 4 stars; one submission).

Conditions:
Wilms tumor 1 (WT1). Also called: Wilms tumor, somatic. Identifiers: Orphanet 654, MedGen CN033288, MONDO:0008679, OMIM 194070.

Submission:

Labcorp Genetics (formerly Invitae), Labcorp
Classification: Uncertain significance for Wilms tumor 1. Last evaluated: 2023-01-23. Review status: criteria provided, single submitter. Criteria: Invitae Variant Classification Sherloc (09022015). Collection method: clinical testing. Allele origin: germline.
Comment: In summary, the available evidence is currently insufficient to determine the role of this variant in disease. Therefore, it has been classified as a Variant of Uncertain Significance. Algorithms developed to predict the effect of missense changes on protein structure and function are either unavailable or do not agree on the potential impact of this missense change (SIFT: "Tolerated"; PolyPhen-2: "Probably Damaging"; Align-GVGD: "Class C0"). This variant has not been reported in the literature in individuals affected with GPC3-related conditions. This variant is not present in population databases (gnomAD no frequency). This sequence change replaces asparagine, which is neutral and polar, with serine, which is neutral and polar, at codon 518 of the GPC3 protein (p.Asn518Ser).